The following is an entry in ClinVar:

NM_001848.3(COL6A1):c.938G>T (p.Arg313Met)

Gene: COL6A1 (collagen type VI alpha 1 chain; plus strand). Cytogenetic location: 21q22.3.
Variant type: single nucleotide variant.
Coding change: c.938G>T on transcript NM_001848.3 (MANE Select); coding-DNA position 938, G replaced by T.
Protein change: p.Arg313Met; replaces arginine 313 with methionine.
Molecular consequence: missense variant.
Genome position (GRCh38, 1-based): chr21:45,990,265, G>T. VCF-style: chr21-45990265-G-T. GRCh37 (hg19) VCF-style: chr21-47410179-G-T.
Other names: short protein forms R313M.
Identifiers: ClinVar variation 3692560 (VCV003692560.2).

ClinVar aggregate classification (germline): Uncertain significance (1 of 4 stars; one submission).

Conditions:
Bethlem myopathy 1A. Also called: MYOPATHY, BENIGN CONGENITAL, WITH CONTRACTURES; Bethlem myopathy 1; Bethlem Muscular Dystrophy. Identifiers: Orphanet 610, MedGen CN029274, MONDO:0024530, OMIM 158810.

Submission:

Labcorp Genetics (formerly Invitae), Labcorp
Classification: Uncertain significance for Bethlem myopathy 1A. Last evaluated: 2024-10-08. Review status: criteria provided, single submitter. Criteria: Invitae Variant Classification Sherloc (09022015). Collection method: clinical testing. Allele origin: germline.
Comment: This sequence change replaces arginine, which is basic and polar, with methionine, which is neutral and non-polar, at codon 313 of the COL6A1 protein (p.Arg313Met). This variant is not present in population databases (gnomAD no frequency). This variant has not been reported in the literature in individuals affected with COL6A1-related conditions. Invitae Evidence Modeling of protein sequence and biophysical properties (such as structural, functional, and spatial information, amino acid conservation, physicochemical variation, residue mobility, and thermodynamic stability) indicates that this missense variant is not expected to disrupt COL6A1 protein function with a negative predictive value of 95%. In summary, the available evidence is currently insufficient to determine the role of this variant in disease. Therefore, it has been classified as a Variant of Uncertain Significance.